The following is an entry in ClinVar:

NM_022489.4(INF2):c.3040+16A>G

Gene: INF2 (inverted formin 2; plus strand). Cytogenetic location: 14q32.33.
Variant type: single nucleotide variant.
Coding change: c.3040+16A>G on transcript NM_022489.4 (MANE Select); 16 bases into the intron after coding-DNA position 3040, A replaced by G.
Molecular consequence: intron variant.
Genome position (GRCh38, 1-based): chr14:104,713,622, A>G. VCF-style: chr14-104713622-A-G. GRCh37 (hg19) VCF-style: chr14-105179959-A-G.
Other names: c.3040+16A>G (NM_001031714.4).
Identifiers: ClinVar variation 386155 (VCV000386155.10), dbSNP rs367565825, ClinGen allele CA7373155.

ClinVar aggregate classification (germline): Likely benign. Review status: criteria provided, multiple submitters, no conflicts (2 of 4 stars). 4 submissions from 4 submitters: Likely benign (4). Last evaluated 2026-01-17.

Conditions:
Charcot-Marie-Tooth disease dominant intermediate E. Also called: CHARCOT-MARIE-TOOTH NEUROPATHY WITH FOCAL SEGMENTAL GLOMERULONEPHRITIS. Identifiers: Orphanet 93114, MedGen C4302667, MONDO:0013758, OMIM 614455.
Focal segmental glomerulosclerosis 5 (FSGS5). Identifiers: Orphanet 656, MedGen C2750475, MONDO:0013191, OMIM 613237.

Allele frequency attached by ClinVar (database versions not stated): ExAC 0.00007; gnomAD exomes 0.00011 and 0.00027; ESP Exome Variant Server 0.00016; TOPMed 0.00017; gnomAD 0.00020 and 0.00021.
gnomAD v4.1: 447 of 1,610,622 alleles (0.028%); highest among the groups gnomAD compares: Non-Finnish European, 0.034%; no homozygotes.

Submissions (4):

Labcorp Genetics (formerly Invitae), Labcorp
Classification: Likely benign for Charcot-Marie-Tooth disease dominant intermediate E; Focal segmental glomerulosclerosis 5. Last evaluated: 2026-01-17. Review status: criteria provided, single submitter. Criteria: Invitae Variant Classification Sherloc (09022015). Collection method: clinical testing. Allele origin: germline.

Blueprint Genetics
Classification: Likely benign. Last evaluated: 2024-10-23. Review status: criteria provided, single submitter. Criteria: ACMG Guidelines, 2015. Collection method: clinical testing. Allele origin: germline.

GeneDx
Classification: Likely benign. Last evaluated: 2016-05-19. Review status: criteria provided, single submitter. Criteria: GeneDx Variant Classification (06012015). Collection method: clinical testing. Allele origin: germline. Affected: yes.
Comment: This variant is considered likely benign or benign based on one or more of the following criteria: it is a conservative change, it occurs at a poorly conserved position in the protein, it is predicted to be benign by multiple in silico algorithms, and/or has population frequency not consistent with disease.

Breakthrough Genomics
Classification: Likely benign. Review status: criteria provided, single submitter. Criteria: ACMG Guidelines, 2015. Collection method: not provided. Allele origin: germline. Inheritance: Autosomal dominant inheritance. Affected: yes.